The following is an entry in ClinVar:

ClinVar aggregate classification (germline): Benign/Likely benign. Review status: criteria provided, multiple submitters, no conflicts (2 of 4 stars). 4 submissions from 4 submitters: Benign (1); Likely benign (3). Last evaluated 2025-01-02.

Conditions:
Hereditary cancer-predisposing syndrome. Also called: Hereditary neoplastic syndrome; Hereditary Cancer Syndrome; Tumor predisposition; Neoplastic Syndromes, Hereditary. Identifiers: Orphanet 140162, MedGen C0027672, MeSH D009386, MONDO:0015356.
Hereditary nonpolyposis colorectal neoplasms. Identifiers: MedGen C0009405, MeSH D003123.
Lynch syndrome 5 (LYNCH5). Also called: Colorectal cancer, hereditary nonpolyposis, type 5; Hereditary non-polyposis colorectal cancer, type 5. Identifiers: Orphanet 144, MedGen C1833477, MONDO:0013710, OMIM 614350. Disease mechanism: loss of function.

Submissions (4):

Myriad Genetics, Inc.
Classification: Benign for Lynch syndrome 5. Last evaluated: 2025-01-02. Review status: criteria provided, single submitter. Criteria: Myriad Autosomal Dominant, Autosomal Recessive and X-Linked Classification Criteria (2023). Collection method: clinical testing. Allele origin: unknown.
Comment: This variant is considered benign. This variant is a silent/synonymous amino acid change and it is not expected to impact splicing.

Labcorp Genetics (formerly Invitae), Labcorp
Classification: Likely benign for Hereditary nonpolyposis colorectal neoplasms. Last evaluated: 2024-04-09. Review status: criteria provided, single submitter. Criteria: Invitae Variant Classification Sherloc (09022015). Collection method: clinical testing. Allele origin: germline.

Ambry Genetics
Classification: Likely benign for Hereditary cancer-predisposing syndrome. Last evaluated: 2022-05-14. Review status: criteria provided, single submitter. Criteria: Ambry Variant Classification Scheme 2023. Collection method: clinical testing. Allele origin: germline.

Quest Diagnostics Nichols Institute San Juan Capistrano
Classification: Likely benign. Last evaluated: 2017-02-08. Review status: criteria provided, single submitter. Criteria: Quest Diagnostics criteria. Collection method: clinical testing. Allele origin: germline.

NM_000179.3(MSH6):c.2970G>A (p.Leu990=)

Gene: MSH6 (mutS homolog 6; plus strand). Cytogenetic location: 2p16.3.
Variant type: single nucleotide variant.
Coding change: c.2970G>A on transcript NM_000179.3 (MANE Select); coding-DNA position 2970, G replaced by A.
Protein change: p.Leu990=; no amino-acid change (leucine 990 retained).
Molecular consequence: synonymous variant.
Genome position (GRCh38, 1-based): chr2:47,800,953, G>A. VCF-style: chr2-47800953-G-A. GRCh37 (hg19) VCF-style: chr2-48028092-G-A.
Other names: c.2580G>A, p.Leu860= (NM_001281492.2); c.2064G>A, p.Leu688= (NM_001281493.2, NM_001281494.2).
Identifiers: ClinVar variation 439205 (VCV000439205.14), dbSNP rs1553414353, ClinGen allele CA426122093.
Genomic context (GRCh38, chr2:47,800,953, plus strand): 5'-GGGGATTGGTAGGAACCGTTACCAGCTGGAAATTCCTGAGAATTTCACCACTCGCAATTT[G>A]CCAGAAGAATACGAGTTGAAATCTACCAAGAAGGGCTGTAAACGATACTGGACCAAAACT-3'
Protein context (NP_000170.1, residues 980-1000): EIPENFTTRN[Leu990=]PEEYELKSTK